The following is an entry in ClinVar:

NM_014862.4(ARNT2):c.1667C>T (p.Thr556Met)

Genes: ARNT2 (aryl hydrocarbon receptor nuclear translocator 2; plus strand), ARNT2-AS1 (ARNT2 antisense RNA 1; minus strand). Cytogenetic location: 15q25.1.
Variant type: single nucleotide variant.
Coding change: c.1667C>T on transcript NM_014862.4 (MANE Select); coding-DNA position 1667, C replaced by T.
Protein change: p.Thr556Met; replaces threonine 556 with methionine.
Molecular consequence: missense variant.
Genome position (GRCh38, 1-based): chr15:80,580,464, C>T. VCF-style: chr15-80580464-C-T. GRCh37 (hg19) VCF-style: chr15-80872805-C-T.
Other names: short protein forms T556M.
Identifiers: ClinVar variation 1915639 (VCV001915639.5), dbSNP rs202101392, ClinGen allele CA7692106.

ClinVar aggregate classification (germline): Uncertain significance (1 of 4 stars; one submission).

Allele frequency attached by ClinVar (database versions not stated): ExAC 0.00001; gnomAD exomes 0.00002; gnomAD 0.00003; TOPMed 0.00003.
gnomAD v4.1: 31 of 1,614,040 alleles (0.0019%); highest among the groups gnomAD compares: African/African-American, 0.004%; no homozygotes.

Submission:

Labcorp Genetics (formerly Invitae), Labcorp
Classification: Uncertain significance. Last evaluated: 2022-04-12. Review status: criteria provided, single submitter. Criteria: Invitae Variant Classification Sherloc (09022015). Collection method: clinical testing. Allele origin: germline.
Comment: In summary, the available evidence is currently insufficient to determine the role of this variant in disease. Therefore, it has been classified as a Variant of Uncertain Significance. Algorithms developed to predict the effect of missense changes on protein structure and function are either unavailable or do not agree on the potential impact of this missense change (SIFT: "Deleterious"; PolyPhen-2: "Benign"; Align-GVGD: "Class C0"). This variant has not been reported in the literature in individuals affected with ARNT2-related conditions. This variant is present in population databases (rs202101392, gnomAD 0.004%). This sequence change replaces threonine, which is neutral and polar, with methionine, which is neutral and non-polar, at codon 556 of the ARNT2 protein (p.Thr556Met).